The following is an entry in ClinVar:

NM_020795.4(NLGN2):c.1860G>A (p.Thr620=)

Gene: NLGN2 (neuroligin 2; plus strand). Cytogenetic location: 17p13.1.
Variant type: single nucleotide variant.
Coding change: c.1860G>A on transcript NM_020795.4 (MANE Select); coding-DNA position 1860, G replaced by A.
Protein change: p.Thr620=; no amino-acid change (threonine 620 retained).
Molecular consequence: synonymous variant.
Genome position (GRCh38, 1-based): chr17:7,417,151, G>A. VCF-style: chr17-7417151-G-A. GRCh37 (hg19) VCF-style: chr17-7320470-G-A.
Identifiers: ClinVar variation 3710296 (VCV003710296.4).
Genomic context (GRCh38, chr17:7,417,151, plus strand): 5'-CTGGCTGGAGCTCGTGCCCCACCTGCACAACCTGCACACGGAGCTCTTCACCACCACCAC[G>A]CGCCTGCCTCCCTACGCCACGCGCTGGCCGCCTCGTCCCCCCGCTGGCGCCCCGGGCACA-3'
Protein context (NP_065846.1, residues 610-630): NLHTELFTTT[Thr620=]RLPPYATRWP

ClinVar aggregate classification (germline): Likely benign. Review status: criteria provided, multiple submitters, no conflicts (2 of 4 stars). 2 submissions from 2 submitters: Likely benign (2). Last evaluated 2026-05-01.

Submissions (2):

CeGaT Center for Human Genetics Tuebingen
Classification: Likely benign. Last evaluated: 2026-05-01. Review status: criteria provided, single submitter. Criteria: CeGaT Center For Human Genetics Tuebingen Variant Classification Criteria Version 2. Collection method: clinical testing. Allele origin: germline. Affected: yes. Observed: 1 variant allele.
Comment: NLGN2: BP4, BP7

Labcorp Genetics (formerly Invitae), Labcorp
Classification: Likely benign. Last evaluated: 2025-02-01. Review status: criteria provided, single submitter. Criteria: Invitae Variant Classification Sherloc (09022015). Collection method: clinical testing. Allele origin: germline.